The following is an entry in ClinVar:

ClinVar aggregate classification (germline): Uncertain significance. Review status: criteria provided, multiple submitters, no conflicts (2 of 4 stars). 2 submissions from 2 submitters: Uncertain significance (2). Last evaluated 2022-01-21.

Conditions:
Inborn genetic diseases. Identifiers: MedGen C0950123, MeSH D030342.
Bethlem myopathy 1A. Also called: Bethlem Muscular Dystrophy; Bethlem myopathy 1; MYOPATHY, BENIGN CONGENITAL, WITH CONTRACTURES. Identifiers: Orphanet 610, MedGen CN029274, MONDO:0024530, OMIM 158810.

Allele frequency attached by ClinVar (database versions not stated): gnomAD 0.00001.
gnomAD v4.1: 8 of 1,613,988 alleles (0.0005%); highest among the groups gnomAD compares: Non-Finnish European, 0.00068%; no homozygotes.

Submissions (2):

Labcorp Genetics (formerly Invitae), Labcorp
Classification: Uncertain significance for Bethlem myopathy 1A. Last evaluated: 2022-01-21. Review status: criteria provided, single submitter. Criteria: Invitae Variant Classification Sherloc (09022015). Collection method: clinical testing. Allele origin: germline.
Comment: This sequence change replaces aspartic acid, which is acidic and polar, with tyrosine, which is neutral and polar, at codon 228 of the COL6A3 protein (p.Asp228Tyr). In summary, the available evidence is currently insufficient to determine the role of this variant in disease. Therefore, it has been classified as a Variant of Uncertain Significance. Algorithms developed to predict the effect of sequence changes on RNA splicing suggest that this variant may create or strengthen a splice site. Advanced modeling of protein sequence and biophysical properties (such as structural, functional, and spatial information, amino acid conservation, physicochemical variation, residue mobility, and thermodynamic stability) performed at Invitae indicates that this missense variant is not expected to disrupt COL6A3 protein function. This variant has not been reported in the literature in individuals affected with COL6A3-related conditions. This variant is not present in population databases (gnomAD no frequency).

Ambry Genetics
Classification: Uncertain significance for Inborn genetic diseases. Last evaluated: 2021-10-29. Review status: criteria provided, single submitter. Criteria: Ambry Variant Classification Scheme 2023. Collection method: clinical testing. Allele origin: germline.

NM_004369.4(COL6A3):c.682G>T (p.Asp228Tyr)

Gene: COL6A3 (collagen type VI alpha 3 chain; minus strand). Cytogenetic location: 2q37.3.
Variant type: single nucleotide variant.
Coding change: c.682G>T on transcript NM_004369.4 (MANE Select); coding-DNA position 682, G replaced by T.
Protein change: p.Asp228Tyr; replaces aspartic acid 228 with tyrosine.
Molecular consequence: missense variant. On other transcripts: intron variant (4).
Genome position (GRCh38, 1-based): chr2:237,394,614, C>A on the plus strand (G>T on the coding strand, the complement: COL6A3 is on the minus strand). VCF-style: chr2-237394614-C-A. GRCh37 (hg19) VCF-style: chr2-238303257-C-A.
Other names: c.91+2113G>T (NM_057166.5, NM_057167.4, NM_057164.5 and 1 more transcripts); short protein forms D228Y.
Identifiers: ClinVar variation 2147910 (VCV002147910.5), dbSNP rs575037053, ClinGen allele CA67841659.
Genomic context (GRCh38, chr2:237,394,614, plus strand): 5'-GGGCAGGGCGTAGCTTGGTGGCGTTGCCATTACCTGTGATGTCTTTAAGGGTTTCCGTGT[C>A]CCCAGCCCTTTCTGGACTCACGGATGAATGCACACAGGACACTAAGTTTCCTACTATGTC-3'
Protein context (NP_004360.2, residues 218-238): HSSVSPERAG[Asp228Tyr]TETLKDITAQ